The following is an entry in ClinVar:

ClinVar aggregate classification (germline): Uncertain significance (1 of 4 stars; one submission).

Allele frequency attached by ClinVar (database versions not stated): TOPMed 0.00001.

Submission:

Labcorp Genetics (formerly Invitae), Labcorp
Classification: Uncertain significance. Last evaluated: 2023-02-16. Review status: criteria provided, single submitter. Criteria: Invitae Variant Classification Sherloc (09022015). Collection method: clinical testing. Allele origin: germline.
Comment: In summary, the available evidence is currently insufficient to determine the role of this variant in disease. Therefore, it has been classified as a Variant of Uncertain Significance. An algorithm developed to predict the effect of missense changes on protein structure and function (PolyPhen-2) suggests that this variant is likely to be tolerated. This variant has not been reported in the literature in individuals affected with SORL1-related conditions. This variant is not present in population databases (gnomAD no frequency). This sequence change replaces serine, which is neutral and polar, with alanine, which is neutral and non-polar, at codon 149 of the SORL1 protein (p.Ser149Ala).

NM_003105.6(SORL1):c.445T>G (p.Ser149Ala)

Genes: SORL1 (sortilin related receptor 1; plus strand), LOC105369535 (uncharacterized LOC105369535; minus strand). Cytogenetic location: 11q24.1.
Variant type: single nucleotide variant.
Coding change: c.445T>G on transcript NM_003105.6 (MANE Select); coding-DNA position 445, T replaced by G.
Protein change: p.Ser149Ala; replaces serine 149 with alanine.
Molecular consequence: missense variant.
Genome position (GRCh38, 1-based): chr11:121,478,160, T>G. VCF-style: chr11-121478160-T-G. GRCh37 (hg19) VCF-style: chr11-121348869-T-G.
Other names: short protein forms S149A.
Identifiers: ClinVar variation 1961816 (VCV001961816.5), dbSNP rs1861309113, ClinGen allele CA383285352.